The following is an entry in ClinVar:

NM_001267550.2(TTN):c.105391A>G (p.Ile35131Val)

Genes: TTN (titin; minus strand), TTN-AS1 (TTN antisense RNA 1; plus strand). Cytogenetic location: 2q31.2.
Variant type: single nucleotide variant.
Coding change: c.105391A>G on transcript NM_001267550.2 (MANE Select); coding-DNA position 105391, A replaced by G.
Protein change: p.Ile35131Val; replaces isoleucine 35131 with valine.
Molecular consequence: missense variant.
Genome position (GRCh38, 1-based): chr2:178,531,224, T>C on the plus strand (A>G on the coding strand, the complement: TTN is on the minus strand). VCF-style: chr2-178531224-T-C. GRCh37 (hg19) VCF-style: chr2-179395951-T-C.
Other names: p.I33490V:ATT>GTT; c.78196A>G, p.Ile26066Val (NM_003319.4); c.78571A>G, p.Ile26191Val (NM_133432.3); c.78772A>G, p.Ile26258Val (NM_133437.4); c.100468A>G, p.Ile33490Val (NM_001256850.1); c.97687A>G, p.Ile32563Val (NM_133378.4); short protein forms I33490V, I35131V, I32563V, I26066V, I26191V, I26258V.
Identifiers: ClinVar variation 203094 (VCV000203094.28), dbSNP rs779464128, ClinGen allele CA311220.

ClinVar aggregate classification (germline): Conflicting classifications of pathogenicity. Review status: criteria provided, conflicting classifications (1 of 4 stars). 5 submissions from 5 submitters: Uncertain significance (3); Likely benign (2). Last evaluated 2026-09-21.

Conditions:
TTN-related disorder. Also called: TTN-related condition; TTN-related disease; TTN-related disorders.
Autosomal recessive limb-girdle muscular dystrophy type 2J (LGMDR10). Also called: MUSCULAR DYSTROPHY, LIMB-GIRDLE, AUTOSOMAL RECESSIVE 10; Limb-girdle muscular dystrophy, type 2J. Identifiers: Orphanet 140922, MedGen C1837342, MONDO:0012127, OMIM 608807.
Dilated cardiomyopathy 1G (CMD1G). Identifiers: Orphanet 154, MedGen C1858763, MONDO:0011400, OMIM 604145.

Allele frequency attached by ClinVar (database versions not stated): gnomAD 0.00001; gnomAD exomes 0.00002 and 0.00004; TOPMed below 0.00001; ExAC 0.00001.
gnomAD v4.1: 56 of 1,613,866 alleles (0.0035%); highest among the groups gnomAD compares: Non-Finnish European, 0.0045%; no homozygotes.

Submissions (5):

Molecular Diagnostic Laboratory for Inherited Cardiovascular Disease, Montreal Heart Institute
Classification: Likely benign. Last evaluated: 2026-09-21. Review status: criteria provided, single submitter. Criteria: ACMG Guidelines, 2015. Collection method: clinical testing. Allele origin: germline. Affected: no.
Comment: BP1

PreventionGenetics, part of Exact Sciences
Classification: Uncertain significance for TTN-related condition. Last evaluated: 2026-09-02. Review status: criteria provided, single submitter. Criteria: ACMG Guidelines, 2015. Collection method: clinical testing. Allele origin: germline.
Comment: The TTN c.105391A>G variant is predicted to result in the amino acid substitution p.Ile35131Val. This variant has been reported in an individual with left ventricular noncompaction cardiomyopathy (Table S2, Mazzarotto et al. 2021. PubMed ID: 33500567). This variant is reported in 0.0065% of alleles in individuals of African descent in gnomAD and has conflicting interpretations in ClinVar ranging from likely benign to uncertain (Variation ID: 203094). At this time, the clinical significance of this variant is uncertain due to the absence of conclusive functional and genetic evidence.

Labcorp Genetics (formerly Invitae), Labcorp
Classification: Uncertain significance for Dilated cardiomyopathy 1G; Autosomal recessive limb-girdle muscular dystrophy type 2J. Last evaluated: 2026-01-27. Review status: criteria provided, single submitter. Criteria: Invitae Variant Classification Sherloc (09022015). Collection method: clinical testing. Allele origin: germline.
Comment: This sequence change replaces isoleucine, which is neutral and non-polar, with valine, which is neutral and non-polar, at codon 35131 of the TTN protein (p.Ile35131Val). This variant is present in population databases (rs779464128, gnomAD 0.003%). This missense change has been observed in individual(s) with left ventricular noncompaction cardiomyopathy (PMID: 33500567). ClinVar contains an entry for this variant (Variation ID: 203094). Experimental studies and prediction algorithms are not available or were not evaluated, and the functional significance of this variant is currently unknown. This variant is located in the M band of TTN (PMID: 25589632). Non-truncating variants in this region may be relevant for neuromuscular disorders, but have not been definitively shown to cause cardiomyopathy (PMID: 23975875). In summary, the available evidence is currently insufficient to determine the role of this variant in disease. Therefore, it has been classified as a Variant of Uncertain Significance.

GeneDx
Classification: Likely benign. Last evaluated: 2018-05-09. Review status: criteria provided, single submitter. Criteria: GeneDx Variant Classification Process June 2021. Collection method: clinical testing. Allele origin: germline. Affected: yes.

Laboratory for Molecular Medicine, Mass General Brigham Personalized Medicine
Classification: Uncertain significance. Last evaluated: 2015-09-28. Review status: criteria provided, single submitter. Criteria: LMM Criteria. Collection method: clinical testing. Allele origin: germline. Observed: 1 variant allele.
Comment: The p.Ile32563Val variant in TTN has not been previously reported in individuals with cardiomyopathy, but has been identified in 1/66740 European chromosomes by the Exome Aggregation Consortium (ExAC; dbSNP r s779464128). Computational prediction tools and conservation analysis do not pro vide strong support for or against an impact to the protein. In summary, the cli nical significance of the p.Ile32563Val variant is uncertain.

Literature cited by the submitters: PubMed 33500567 (cited by Labcorp Genetics (formerly Invitae), Labcorp); PubMed 25589632 (cited by Labcorp Genetics (formerly Invitae), Labcorp); PubMed 23975875 (cited by Labcorp Genetics (formerly Invitae), Labcorp).